The following is an entry in ClinVar:

NM_007294.4(BRCA1):c.966T>C (p.Ala322=)

Gene: BRCA1 (BRCA1 DNA repair associated; minus strand). Cytogenetic location: 17q21.31.
Variant type: single nucleotide variant.
Coding change: c.966T>C on transcript NM_007294.4 (MANE Select); coding-DNA position 966, T replaced by C.
Protein change: p.Ala322=; no amino-acid change (alanine 322 retained).
Molecular consequence: synonymous variant. On other transcripts: intron variant (137).
Genome position (GRCh38, 1-based): chr17:43,094,565, A>G on the plus strand (T>C on the coding strand, the complement: BRCA1 is on the minus strand). VCF-style: chr17-43094565-A-G. GRCh37 (hg19) VCF-style: chr17-41246582-A-G.
Other names: c.753T>C, p.Ala251= (NM_001407571.1, NM_001407853.1, NM_001407894.1 and 9 more transcripts); c.966T>C, p.Ala322= (NM_001407581.1, NM_001407582.1, NM_001407583.1 and 30 more transcripts); c.963T>C, p.Ala321= (NM_001407587.1, NM_001407590.1, NM_001407591.1 and 22 more transcripts); c.957T>C, p.Ala319= (NM_001407646.1, NM_001407647.1); c.843T>C, p.Ala281= (NM_001407648.1, NM_001407664.1, NM_001407665.1 and 19 more transcripts); c.840T>C, p.Ala280= (NM_001407649.1, NM_001407670.1, NM_001407671.1 and 11 more transcripts); c.888T>C, p.Ala296= (NM_001407653.1, NM_001407654.1, NM_001407655.1 and 4 more transcripts); c.885T>C, p.Ala295= (NM_001407659.1, NM_001407660.1, NM_001407661.1 and 1 more transcripts); and 40 more.
Identifiers: ClinVar variation 1307006 (VCV001307006.3), dbSNP rs2154481913, ClinGen allele CA500234075.

ClinVar aggregate classification (germline): Uncertain significance (1 of 4 stars; one submission).

Submission:

GeneDx
Classification: Uncertain significance. Last evaluated: 2019-07-05. Review status: criteria provided, single submitter. Criteria: GeneDx Variant Classification Process June 2021. Collection method: clinical testing. Allele origin: germline. Affected: yes.
Comment: Not observed in large population cohorts (Lek et al., 2016); This variant is associated with the following publications: (PMID: 25352972, 26109977)